The following is an entry in ClinVar:

ClinVar aggregate classification (germline): Uncertain significance. Review status: criteria provided, multiple submitters, no conflicts (2 of 4 stars). 2 submissions from 2 submitters: Uncertain significance (2). Last evaluated 2026-06-11.

Conditions:
Mitochondrial complex 4 deficiency, nuclear type 25. Also called: MITOCHONDRIAL COMPLEX IV DEFICIENCY, NUCLEAR TYPE 25. Identifiers: MedGen C6065955, MONDO:0980970, OMIM 621487.

Allele frequency attached by ClinVar (database versions not stated): ExAC 0.00009; gnomAD 0.00009; TOPMed 0.00015; gnomAD exomes 0.00002; ESP Exome Variant Server 0.00015.
gnomAD v4.1: 69 of 1,612,374 alleles (0.0043%); highest among the groups gnomAD compares: Admixed American, 0.017%; no homozygotes.

Submissions (2):

Victorian Clinical Genetics Services, Murdoch Childrens Research Institute
Classification: Uncertain significance for Mitochondrial complex 4 deficiency, nuclear type 25. Last evaluated: 2026-06-11. Review status: criteria provided, single submitter. Criteria: ACMG Guidelines, 2015. Collection method: clinical testing. Allele origin: germline. Affected: yes.
Comment: This variant is classified as VUS-3B. Evidence in support of pathogenic classification: Variant is present in gnomAD <0.01 for a recessive condition (v4: 69 heterozygote(s), 0 homozygote(s)). Additional information: Variant is predicted to result in a missense amino acid change from Arg to Cys; This variant is homozygous; This gene is associated with autosomal recessive disease (PMID: 40830826, PMID: 37468577); Alternative amino acid change(s) at the same position are present in gnomAD (highest allele count: v4: 54 heterozygote(s), 0 homozygote(s)); Previous evidence of pathogenicity for this variant is inconclusive. This variant has been classified once as a VUS by a clinical laboratory in ClinVar; No published evidence of segregation with disease has been identified for this variant; No published functional evidence has been identified for this variant; No comparable missense variants have previous evidence for pathogenicity; Variant is located in the annotated 60Kd inner membrane protein domain (DECIPHER); Missense variant with inconclusive in silico prediction and/or uninformative conservation; Loss of function is a likely mechanism of disease in this gene and is associated with mitochondrial complex IV deficiency, nuclear type 25, (MIM#621487) and Charcot-Marie-Tooth disease, axonal, type 2MM, (MIM#621488); Inheritance information for this variant is not currently available in this individual.

Ambry Genetics
Classification: Uncertain significance. Last evaluated: 2023-12-08. Review status: criteria provided, single submitter. Criteria: Ambry Variant Classification Scheme 2023. Collection method: clinical testing. Allele origin: germline.

Literature cited by the submitters: PubMed 40830826 (cited by Victorian Clinical Genetics Services, Murdoch Childrens Research Institute); PubMed 37468577 (cited by Victorian Clinical Genetics Services, Murdoch Childrens Research Institute).

NM_001297732.2(COX18):c.754C>T (p.Arg252Cys)

Gene: COX18 (cytochrome c oxidase assembly factor COX18; minus strand). Cytogenetic location: 4q13.3.
Variant type: single nucleotide variant.
Coding change: c.754C>T on transcript NM_001297732.2 (MANE Select); coding-DNA position 754, C replaced by T.
Protein change: p.Arg252Cys; replaces arginine 252 with cysteine.
Molecular consequence: missense variant.
Genome position (GRCh38, 1-based): chr4:73,061,890, G>A on the plus strand (C>T on the coding strand, the complement: COX18 is on the minus strand). VCF-style: chr4-73061890-G-A. GRCh37 (hg19) VCF-style: chr4-73927607-G-A.
Other names: c.298C>T, p.Arg100Cys (NM_001297733.2); c.760C>T, p.Arg254Cys (NM_001300729.1); c.751C>T, p.Arg251Cys (NM_173827.4); short protein forms R252C, R100C, R254C, R251C.
Identifiers: ClinVar variation 3076455 (VCV003076455.2), dbSNP rs147471983, ClinGen allele CA2957477.